The following is an entry in ClinVar:

NM_003289.4(TPM2):c.372G>C (p.Glu124Asp)

Gene: TPM2 (tropomyosin 2; minus strand). Cytogenetic location: 9p13.3.
Variant type: single nucleotide variant.
Coding change: c.372G>C on transcript NM_003289.4 (MANE Select); coding-DNA position 372, G replaced by C.
Protein change: p.Glu124Asp; replaces glutamic acid 124 with aspartic acid.
Molecular consequence: missense variant.
Genome position (GRCh38, 1-based): chr9:35,685,649, C>G on the plus strand (G>C on the coding strand, the complement: TPM2 is on the minus strand). VCF-style: chr9-35685649-C-G. GRCh37 (hg19) VCF-style: chr9-35685646-C-G.
Other names: c.372G>C, p.Glu124Asp (NM_001301226.2, NM_001301227.2, NM_213674.1); short protein forms E124D.
Identifiers: ClinVar variation 1311168 (VCV001311168.5), dbSNP rs753245295, ClinGen allele CA5047390.
Genomic context (GRCh38, chr9:35,685,649, plus strand): 5'-CAGCAGAGACAGGCTCCCTTCTCCCTCCCGGACCATCCTCCCCGAGGCCCCTGACCACCT[C>G]TCGCTCTCATCAGCCGCCTTCTCGGCCTCCTCCAGCTTCTGCAGGGCTGTAGCCAGGCGC-3'
Protein context (NP_003280.2, residues 114-134): EEAEKAADES[Glu124Asp]RGMKVIENRA

ClinVar aggregate classification (germline): Uncertain significance. Review status: criteria provided, multiple submitters, no conflicts (2 of 4 stars). 3 submissions from 3 submitters: Uncertain significance (3). Last evaluated 2025-10-28.

Conditions:
Inborn genetic diseases. Identifiers: MedGen C0950123, MeSH D030342.

Allele frequency attached by ClinVar (database versions not stated): gnomAD exomes 0.00002 and 0.00004; TOPMed 0.00003; ExAC 0.00005.

Submissions (3):

Ambry Genetics
Classification: Uncertain significance for Inborn genetic diseases. Last evaluated: 2025-10-28. Review status: criteria provided, single submitter. Criteria: Ambry Variant Classification Scheme 2023. Collection method: clinical testing. Allele origin: germline.

Revvity Omics, Revvity
Classification: Uncertain significance. Last evaluated: 2022-12-21. Review status: criteria provided, single submitter. Criteria: ACMG Guidelines, 2015. Collection method: clinical testing. Allele origin: germline.

GeneDx
Classification: Uncertain significance. Last evaluated: 2020-01-11. Review status: criteria provided, single submitter. Criteria: GeneDx Variant Classification Process June 2021. Collection method: clinical testing. Allele origin: germline. Affected: yes.
Comment: The majority of missense variants in this gene are considered pathogenic (Stenson et al., 2014); In silico analysis, which includes protein predictors and evolutionary conservation, supports a deleterious effect; Has not been previously published as pathogenic or benign to our knowledge